The following is an entry in ClinVar:

NM_001346754.2(PIGW):c.1202del (p.Leu401fs)

Genes: MYO19 (myosin XIX; minus strand), PIGW (phosphatidylinositol glycan anchor biosynthesis class W; plus strand). Cytogenetic location: 17q12.
Variant type: Deletion.
Coding change: c.1202del on transcript NM_001346754.2 (MANE Select); coding-DNA position 1202, one base deleted (T; older notation c.1202delT).
Protein change: p.Leu401fs; shifts the reading frame from leucine 401.
Molecular consequence: frameshift variant.
Genome position (GRCh38, 1-based): chr17:36,538,303, T deleted. VCF-style (leftmost placement, unchanged base first): chr17-36538302-CT-C. GRCh37 (hg19) VCF-style: chr17-34894151-CT-C.
Other names: c.1202del, p.Leu401fs (NM_001346755.2, NM_178517.5); short protein forms L401fs.
Identifiers: ClinVar variation 1928004 (VCV001928004.5), dbSNP rs1360605739, ClinGen allele CA728503325.

ClinVar aggregate classification (germline): Uncertain significance (1 of 4 stars; one submission).

Conditions:
Hyperphosphatasia with intellectual disability syndrome 5 (GPIBD11). Also called: GLYCOSYLPHOSPHATIDYLINOSITOL BIOSYNTHESIS DEFECT 11. Identifiers: Orphanet 247262, MedGen C4014958, MONDO:0014457, OMIM 616025.

Allele frequency attached by ClinVar (database versions not stated): gnomAD exomes below 0.00001; gnomAD 0.00001.

Submission:

Labcorp Genetics (formerly Invitae), Labcorp
Classification: Uncertain significance for Hyperphosphatasia with intellectual disability syndrome 5. Last evaluated: 2022-06-12. Review status: criteria provided, single submitter. Criteria: Invitae Variant Classification Sherloc (09022015). Collection method: clinical testing. Allele origin: germline.
Comment: In summary, the available evidence is currently insufficient to determine the role of this variant in disease. Therefore, it has been classified as a Variant of Uncertain Significance. This variant has not been reported in the literature in individuals affected with PIGW-related conditions. This variant is present in population databases (no rsID available, gnomAD 0.0009%). This sequence change creates a premature translational stop signal (p.Leu401Glnfs*6) in the PIGW gene. While this is not anticipated to result in nonsense mediated decay, it is expected to disrupt the last 104 amino acid(s) of the PIGW protein.